The following is an entry in ClinVar:

NM_000489.6(ATRX):c.4312A>G (p.Asn1438Asp)

Gene: ATRX (ATRX chromatin remodeler; minus strand). Cytogenetic location: Xq21.1.
Variant type: single nucleotide variant.
Coding change: c.4312A>G on transcript NM_000489.6 (MANE Select); coding-DNA position 4312, A replaced by G.
Protein change: p.Asn1438Asp; replaces asparagine 1438 with aspartic acid.
Molecular consequence: missense variant.
Genome position (GRCh38, 1-based): chrX:77,654,103, T>C on the plus strand (A>G on the coding strand, the complement: ATRX is on the minus strand). VCF-style: chrX-77654103-T-C. GRCh37 (hg19) VCF-style: chrX-76909593-T-C.
Other names: c.4198A>G, p.Asn1400Asp (NM_138270.5); short protein forms N1438D, N1400D.
Identifiers: ClinVar variation 452766 (VCV000452766.8), dbSNP rs971839925, ClinGen allele CA413709204.

ClinVar aggregate classification (germline): Uncertain significance. Review status: criteria provided, multiple submitters, no conflicts (2 of 4 stars). 3 submissions from 3 submitters: Uncertain significance (3). Last evaluated 2025-02-06.

Conditions:
Alpha thalassemia-X-linked intellectual disability syndrome (ATRX). Also called: ALPHA-THALASSEMIA/MENTAL RETARDATION SYNDROME, X-LINKED; X-linked alpha-thalassemia-mental retardation syndrome; ATR-X syndrome; Alpha thalassemia mental retardation syndrome, nondeletion type, X-linked; XLMR hypotonic face syndrome; ATR, NONDELETION TYPE. Identifiers: Orphanet 847, MedGen C1845055, MONDO:0010519, OMIM 301040.
Inborn genetic diseases. Identifiers: MedGen C0950123, MeSH D030342.

gnomAD v4.1: 27 of 1,205,485 alleles (0.0022%); highest among the groups gnomAD compares: Non-Finnish European, 0.0029%; no homozygotes.

Submissions (3):

Ambry Genetics
Classification: Uncertain significance for Inborn genetic diseases. Last evaluated: 2025-02-06. Review status: criteria provided, single submitter. Criteria: Ambry Variant Classification Scheme 2023. Collection method: clinical testing. Allele origin: germline.

Labcorp Genetics (formerly Invitae), Labcorp
Classification: Uncertain significance for Alpha thalassemia-X-linked intellectual disability syndrome. Last evaluated: 2024-02-17. Review status: criteria provided, single submitter. Criteria: Invitae Variant Classification Sherloc (09022015). Collection method: clinical testing. Allele origin: germline.
Comment: This sequence change replaces asparagine, which is neutral and polar, with aspartic acid, which is acidic and polar, at codon 1438 of the ATRX protein (p.Asn1438Asp). This variant is not present in population databases (gnomAD no frequency). This variant has not been reported in the literature in individuals affected with ATRX-related conditions. ClinVar contains an entry for this variant (Variation ID: 452766). Advanced modeling of protein sequence and biophysical properties (such as structural, functional, and spatial information, amino acid conservation, physicochemical variation, residue mobility, and thermodynamic stability) performed at Invitae indicates that this missense variant is not expected to disrupt ATRX protein function with a negative predictive value of 95%. In summary, the available evidence is currently insufficient to determine the role of this variant in disease. Therefore, it has been classified as a Variant of Uncertain Significance.

GeneDx
Classification: Uncertain significance. Last evaluated: 2020-08-14. Review status: criteria provided, single submitter. Criteria: GeneDx Variant Classification Process June 2021. Collection method: clinical testing. Allele origin: germline. Affected: yes.
Comment: Not observed in large population cohorts (Lek et al., 2016); In silico analysis supports that this missense variant does not alter protein structure/function; Has not been previously published as pathogenic or benign to our knowledge